The following is an entry in ClinVar:

ClinVar aggregate classification (germline): Uncertain significance (1 of 4 stars; one submission).

Conditions:
Arrhythmogenic right ventricular cardiomyopathy (ARVD). Also called: Arrhythmogenic right ventricular dysplasia; Cardiomyopathy, ARVC; Arrhythmogenic cardiomyopathy; Arrhythmogenic Right Ventricular Cardiomyopathy (ARVC). Identifiers: Orphanet 247, MedGen C0349788, MeSH D019571, MONDO:0016587. Disease mechanism: loss of function. Inheritance: Various modes of inheritance.

Allele frequency attached by ClinVar (database versions not stated): gnomAD exomes below 0.00001.
gnomAD v4.1: 4 of 1,610,970 alleles (0.00025%); highest among the groups gnomAD compares: East Asian, 0.0045%; no homozygotes.

Submission:

All of Us Research Program, National Institutes of Health
Classification: Uncertain significance for Arrhythmogenic right ventricular cardiomyopathy. Last evaluated: 2023-08-28. Review status: criteria provided, single submitter. Criteria: ACMG Guidelines, 2015. Collection method: clinical testing. Allele origin: germline. Inheritance: Autosomal dominant inheritance. Observed: 1 variant allele, 1 heterozygote.
Comment: This variant is located in the 3' untranslated region in the PKP2 gene. To our knowledge, functional studies have not been reported for this variant. This variant has not been reported in individuals affected with cardiovascular disorders in the literature. This variant has been identified in 1/251460 chromosomes in the general population by the Genome Aggregation Database (gnomAD). The available evidence is insufficient to determine the role of this variant in disease conclusively. Therefore, this variant is classified as a Variant of Uncertain Significance.

This study involves interpretation of variants in research participants for the purpose of population health screening. Participant phenotype was not available at the time of variant classification. Additional details can be found in publication PMID: 35346344, PMCID: PMC8962531

NM_001005242.3(PKP2):c.*1G>A

Gene: PKP2 (plakophilin 2; minus strand). Cytogenetic location: 12p11.21.
Variant type: single nucleotide variant.
Coding change: c.*1G>A on transcript NM_001005242.3 (MANE Select); 1 bases downstream of the stop codon, G replaced by A.
Molecular consequence: 3 prime UTR variant. On other transcripts: synonymous variant (2).
Genome position (GRCh38, 1-based): chr12:32,792,423, C>T on the plus strand (G>A on the coding strand, the complement: PKP2 is on the minus strand). VCF-style: chr12-32792423-C-T. GRCh37 (hg19) VCF-style: chr12-32945357-C-T.
Other names: c.2325G>A, p.Glu775= (NM_001407155.1); c.*1G>A (NM_001407156.1, NM_001407158.1, NM_001407159.1 and 1 more transcripts); c.1998G>A, p.Glu666= (NM_001407160.1).
Identifiers: ClinVar variation 3073271 (VCV003073271.1), dbSNP rs1356917302, ClinGen allele CA604480552.